The following is an entry in ClinVar:

ClinVar aggregate classification (germline): Benign/Likely benign. Review status: criteria provided, multiple submitters, no conflicts (2 of 4 stars). 4 submissions from 4 submitters: Benign (2); Likely benign (1). 1 of the submissions does not count toward it. Last evaluated 2026-01-25.

Conditions:
C8B-related disorder. Also called: C8B-related condition.

Allele frequency attached by ClinVar (database versions not stated): gnomAD exomes 0.00049; ExAC 0.00061; gnomAD 0.00141 and 0.00148; 1000 Genomes Project 30x 0.00172; TOPMed 0.00172; 1000 Genomes Project 0.00200; ESP Exome Variant Server 0.00208.
gnomAD v4.1: 699 of 1,614,112 alleles (0.043%); highest among the groups gnomAD compares: African/African-American, 0.58%; 2 homozygotes.

Submissions (4):

Labcorp Genetics (formerly Invitae), Labcorp
Classification: Benign. Last evaluated: 2026-01-25. Review status: criteria provided, single submitter. Criteria: Invitae Variant Classification Sherloc (09022015). Collection method: clinical testing. Allele origin: germline.

Blueprint Genetics
Classification: Likely benign. Last evaluated: 2024-11-11. Review status: criteria provided, single submitter. Criteria: ACMG Guidelines, 2015. Collection method: clinical testing. Allele origin: germline.

Breakthrough Genomics
Classification: Benign. Review status: criteria provided, single submitter. Criteria: ACMG Guidelines, 2015. Collection method: not provided. Allele origin: germline. Inheritance: Autosomal recessive inheritance. Affected: yes.

PreventionGenetics, part of Exact Sciences
Classification: Likely benign for C8B-related condition. Last evaluated: 2024-01-29. Review status: no assertion criteria provided. Collection method: clinical testing. Allele origin: germline. Not counted in ClinVar's aggregate classification.
Comment: This variant is classified as likely benign based on ACMG/AMP sequence variant interpretation guidelines (Richards et al. 2015 PMID: 25741868, with internal and published modifications).

NM_000066.4(C8B):c.258T>C (p.Tyr86=)

Gene: C8B (complement C8 beta chain; minus strand). Cytogenetic location: 1p32.2.
Variant type: single nucleotide variant.
Coding change: c.258T>C on transcript NM_000066.4 (MANE Select); coding-DNA position 258, T replaced by C.
Protein change: p.Tyr86=; no amino-acid change (tyrosine 86 retained).
Molecular consequence: synonymous variant.
Genome position (GRCh38, 1-based): chr1:56,956,902, A>G on the plus strand (T>C on the coding strand, the complement: C8B is on the minus strand). VCF-style: chr1-56956902-A-G. GRCh37 (hg19) VCF-style: chr1-57422575-A-G.
Other names: c.102T>C, p.Tyr34= (NM_001278543.2); c.72T>C, p.Tyr24= (NM_001278544.2); c.258T>C (NM_000066.3).
Identifiers: ClinVar variation 1167854 (VCV001167854.13), dbSNP rs113900156, ClinGen allele CA876039.
Genomic context (GRCh38, chr1:56,956,902, plus strand): 5'-TTCCTTGTCAGAGAAGTTGCACGGTTCCCCATGGAACTGAGAGGGCTGGAGCAAGTAGGC[A>G]TACCTGTACTGTAGCAGAGAGGAGCCAGGTGAACCAAGGGTAAAGCCTTAGATCTCAGGA-3'
Protein context (NP_000057.3, residues 76-96): CDPCQKKRYR[Tyr86=]AYLLQPSQFH